The following is an entry in ClinVar:

NM_001164508.2(NEB):c.24014_24015dup (p.Ser8006fs)

Genes: NEB (nebulin; minus strand), RIF1 (replication timing regulatory factor 1; plus strand). Cytogenetic location: 2q23.3.
Variant type: Duplication.
Coding change: c.24014_24015dup on transcript NM_001164508.2 (MANE Select); coding-DNA positions 24014 to 24015, 2 bases duplicated (TT; older notation c.24014_24015dupTT).
Protein change: p.Ser8006fs; shifts the reading frame from serine 8006.
Molecular consequence: frameshift variant. On other transcripts: intron variant (1).
Genome position (GRCh38, 1-based): chr2:151,501,397-151,501,398, AA duplicated on the plus strand (TT on the coding strand, the reverse complement: NEB is on the minus strand); duplicating any 2 consecutive bases within chr2:151,501,397-151,501,399 gives the same sequence; the c. name uses the placement nearest the transcript's 3' end. VCF-style (leftmost placement, unchanged base first): chr2-151501396-T-TAA. GRCh37 (hg19) VCF-style: chr2-152357910-T-TAA.
Other names: NM_001164508.2(NEB):c.24014_24015dup; p.Ser8006fs; c.24014_24015dup, p.Ser8006fs (NM_001164507.2); c.24119_24120dup, p.Ser8041fs (NM_001271208.2); c.18825+1395_18825+1396dup (NM_004543.5); c.24119_24120dup (NM_001271208.1); c.24119_24120dupTT (NM_001271208.1); short protein forms S8006fs, S8041fs.
Identifiers: ClinVar variation 557756 (VCV000557756.13), dbSNP rs1553568357, ClinGen allele CA536641018.

ClinVar aggregate classification (germline): Pathogenic/Likely pathogenic. Review status: criteria provided, multiple submitters, no conflicts (2 of 4 stars). 7 submissions from 7 submitters: Pathogenic (2); Likely pathogenic (4). 1 of the submissions does not count toward it. Last evaluated 2026-01-20.

Conditions:
Nemaline myopathy. Also called: Myopathies, Nemaline. Identifiers: Orphanet 607, MedGen C0206157, MONDO:0018958.
Nemaline myopathy 2 (NEM2). Also called: Nemaline myopathy 2, autosomal recessive. Identifiers: MedGen C1850569, MONDO:0009725, OMIM 256030.
Arthrogryposis multiplex congenita 6. Identifiers: MedGen C5543431, MONDO:0030281, OMIM 619334.

Submissions (7):

Myriad Genetics, Inc.
Classification: Pathogenic for Nemaline myopathy 2. Last evaluated: 2026-01-20. Review status: criteria provided, single submitter. Criteria: Myriad Autosomal Dominant, Autosomal Recessive and X-Linked Classification Criteria (2023). Collection method: clinical testing. Allele origin: unknown.
Comment: NM_001271208.1(NEB):c.24119_24120dupTT(S8041Lfs*140) is a frameshift variant classified as pathogenic in the context of NEB-related nemaline myopathy. S8041Lfs*140 has not been observed in cases with relevant disease. Relevant functional assessments of this variant are not available in the literature. S8041Lfs*140 has been observed in referenced population frequency databases. Please note: this variant was assessed in the context of healthy population screening.

Broad Center for Mendelian Genomics, Broad Institute of MIT and Harvard
Classification: Likely pathogenic for Nemaline myopathy. Last evaluated: 2025-02-26. Review status: criteria provided, single submitter. Criteria: ACMG Guidelines, 2015. Collection method: curation. Allele origin: germline. Inheritance: Autosomal recessive inheritance.
Comment: The p.Ser8006LeufsTer140 variant in NEB has not been previously reported in the literature in individuals with nemaline myopathy, but has been identified in 0.002% (1/59830) of European (Finnish) chromosomes by the Genome Aggregation Database (gnomAD; dbSNP ID: rs1357652737). Although this variant has been seen in the general population in a heterozygous state, its frequency is low enough to be consistent with a recessive carrier frequency. This variant has also been reported in ClinVar (Variation ID: 557756) and has been interpreted as pathogenic by Invitae and as a variant of uncertain significance by Counsyl. This variant is predicted to cause a frameshift, which alters the protein‚Äôs amino acid sequence beginning at position 8006 and leads to a premature termination codon 140 amino acids downstream. This alteration is then predicted to lead to a truncated or absent protein. Loss of function of the NEB gene is an established disease mechanism in autosomal recessive nemaline myopathy. In summary, although additional studies are required to fully establish its clinical significance, this variant is likely pathogenic for autosomal recessive nemaline myopathy. ACMG/AMP Criteria applied: PVS1, PM2_supporting (Richards 2015).

Natera, Inc.
Classification: Likely pathogenic for Nemaline myopathy type 2. Last evaluated: 2024-06-20. Review status: criteria provided, single submitter. Criteria: Natera Variant Classification Schema (03/2026). Collection method: clinical testing. Allele origin: germline.
Comment: The c.24119_24120dup variant in NEB is a frameshift variant predicted to shift the reading frame beginning at codon 8041 and leads to a stop codon 140 codons downstream. This variant is expected to result in nonsense mediated decay, truncation, or a dysfunctional protein product. This variant is rare in the general population with a frequency below the threshold expected for the associated phenotype(s). Given the available evidence, this variant is classified as Likely Pathogenic.

Fulgent Genetics
Classification: Likely pathogenic for Nemaline myopathy 2; Arthrogryposis multiplex congenita 6. Last evaluated: 2024-05-26. Review status: criteria provided, single submitter. Criteria: ACMG Guidelines, 2015. Collection method: clinical testing. Allele origin: germline.

Baylor Genetics
Classification: Likely pathogenic for Arthrogryposis multiplex congenita 6. Last evaluated: 2024-01-02. Review status: criteria provided, single submitter. Criteria: ACMG Guidelines, 2015. Collection method: clinical testing. Allele origin: unknown.

Labcorp Genetics (formerly Invitae), Labcorp
Classification: Pathogenic for Nemaline myopathy 2. Last evaluated: 2023-09-09. Review status: criteria provided, single submitter. Criteria: Invitae Variant Classification Sherloc (09022015). Collection method: clinical testing. Allele origin: germline.
Comment: For these reasons, this variant has been classified as Pathogenic. Algorithms developed to predict the effect of sequence changes on RNA splicing suggest that this variant may disrupt the consensus splice site. ClinVar contains an entry for this variant (Variation ID: 557756). This variant has not been reported in the literature in individuals affected with NEB-related conditions. This variant is present in population databases (no rsID available, gnomAD 0.006%). This sequence change creates a premature translational stop signal (p.Ser8041Leufs*140) in the NEB gene. It is expected to result in an absent or disrupted protein product. Loss-of-function variants in NEB are known to be pathogenic (PMID: 25205138).

Counsyl
Classification: Uncertain significance for Nemaline myopathy 2. Last evaluated: 2018-04-11. Review status: flagged submission. Collection method: clinical testing. Allele origin: unknown. Not counted in ClinVar's aggregate classification.
ClinVar note: Reason: Older and outlier claim with insufficient supporting evidence

Literature cited by the submitters: PubMed 25205138 (cited by Labcorp Genetics (formerly Invitae), Labcorp).